The following is an entry in ClinVar:

ClinVar aggregate classification (germline): Uncertain significance (1 of 4 stars; one submission).

Conditions:
Inborn genetic diseases. Identifiers: MedGen C0950123, MeSH D030342.

Submission:

Ambry Genetics
Classification: Uncertain significance for Inborn genetic diseases. Last evaluated: 2024-02-24. Review status: criteria provided, single submitter. Criteria: Ambry Variant Classification Scheme 2023. Collection method: clinical testing. Allele origin: germline.
Comment: The p.A1406T variant (also known as c.4216G>A), located in coding exon 23 of the ATR gene, results from a G to A substitution at nucleotide position 4216. The alanine at codon 1406 is replaced by threonine, an amino acid with similar properties. This amino acid position is conserved. In addition, the in silico prediction for this alteration is inconclusive. Based on the available evidence, the clinical significance of this alteration remains unclear.

NM_001184.4(ATR):c.4216G>A (p.Ala1406Thr)

Gene: ATR (ATR checkpoint kinase; minus strand). Cytogenetic location: 3q23.
Variant type: single nucleotide variant.
Coding change: c.4216G>A on transcript NM_001184.4 (MANE Select); coding-DNA position 4216, G replaced by A.
Protein change: p.Ala1406Thr; replaces alanine 1406 with threonine.
Molecular consequence: missense variant.
Genome position (GRCh38, 1-based): chr3:142,522,778, C>T on the plus strand (G>A on the coding strand, the complement: ATR is on the minus strand). VCF-style: chr3-142522778-C-T. GRCh37 (hg19) VCF-style: chr3-142241620-C-T.
Other names: c.4024G>A, p.Ala1342Thr (NM_001354579.2); short protein forms A1342T, A1406T.
Identifiers: ClinVar variation 3221156 (VCV003221156.1), dbSNP rs2108395804, ClinGen allele CA354801246.
Genomic context (GRCh38, chr3:142,522,778, plus strand): 5'-CCACTCTTACCTGAATGGCATAGGCAGCTGAATCTTGAGCTCGGCTATTATCAGCATACG[C>T]AAGGTAAGCTCTTGTTAGCTCCATCAATAATCCATAGGCAAAGCTTGAATCTTCTACTCC-3'
Protein context (NP_001175.2, residues 1396-1416): LLMELTRAYL[Ala1406Thr]YADNSRAQDS